The following is an entry in ClinVar:

ClinVar aggregate classification (germline): Uncertain significance. Review status: criteria provided, multiple submitters, no conflicts (2 of 4 stars). 2 submissions from 2 submitters: Uncertain significance (2). Last evaluated 2021-09-01.

Conditions:
Fanconi anemia complementation group E (FANCE). Also called: FANCE-Related Fanconi Anemia. Identifiers: Orphanet 84, MedGen C3160739, MONDO:0010953, OMIM 600901.

Allele frequency attached by ClinVar (database versions not stated): gnomAD exomes below 0.00001.

Submissions (2):

Labcorp Genetics (formerly Invitae), Labcorp
Classification: Uncertain significance for Fanconi anemia complementation group E. Last evaluated: 2021-09-01. Review status: criteria provided, single submitter. Criteria: Invitae Variant Classification Sherloc (09022015). Collection method: clinical testing. Allele origin: germline.
Comment: This sequence change replaces aspartic acid with tyrosine at codon 59 of the FANCE protein (p.Asp59Tyr). The aspartic acid residue is weakly conserved and there is a large physicochemical difference between aspartic acid and tyrosine. The frequency data for this variant in the population databases is considered unreliable, as metrics indicate insufficient coverage at this position in the ExAC database. This variant has not been reported in the literature in individuals affected with FANCE-related conditions. Algorithms developed to predict the effect of missense changes on protein structure and function are either unavailable or do not agree on the potential impact of this missense change (SIFT: "Tolerated"; PolyPhen-2: "Possibly Damaging"; Align-GVGD: "Class C0"). In summary, the available evidence is currently insufficient to determine the role of this variant in disease. Therefore, it has been classified as a Variant of Uncertain Significance.

Fulgent Genetics
Classification: Uncertain significance for Fanconi anemia complementation group E. Last evaluated: 2021-08-17. Review status: criteria provided, single submitter. Criteria: ACMG Guidelines, 2015. Collection method: clinical testing. Allele origin: unknown.

NM_021922.3(FANCE):c.175G>T (p.Asp59Tyr)

Genes: FANCE (FA complementation group E; plus strand), LOC129996245 (ATAC-STARR-seq lymphoblastoid silent region 17092; plus strand). Cytogenetic location: 6p21.31.
Variant type: single nucleotide variant.
Coding change: c.175G>T on transcript NM_021922.3 (MANE Select); coding-DNA position 175, G replaced by T.
Protein change: p.Asp59Tyr; replaces aspartic acid 59 with tyrosine.
Molecular consequence: missense variant.
Genome position (GRCh38, 1-based): chr6:35,452,720, G>T. VCF-style: chr6-35452720-G-T. GRCh37 (hg19) VCF-style: chr6-35420497-G-T.
Other names: short protein forms D59Y.
Identifiers: ClinVar variation 642951 (VCV000642951.7), dbSNP rs1581696567, ClinGen allele CA363770572.